The following is an entry in ClinVar:

ClinVar aggregate classification (germline): Uncertain significance (1 of 4 stars; one submission).

Submission:

Ambry Genetics
Classification: Uncertain significance. Last evaluated: 2025-02-04. Review status: criteria provided, single submitter. Criteria: Ambry Variant Classification Scheme 2023. Collection method: clinical testing. Allele origin: germline.
Comment: The p.I422V variant (also known as c.1264A>G), located in coding exon 13 of the SRP72 gene, results from an A to G substitution at nucleotide position 1264. The isoleucine at codon 422 is replaced by valine, an amino acid with highly similar properties. This amino acid position is conserved. In addition, the in silico prediction for this alteration is inconclusive. Based on the available evidence, the clinical significance of this variant remains unclear.

NM_006947.4(SRP72):c.1264A>G (p.Ile422Val)

Gene: SRP72 (signal recognition particle 72; plus strand). Cytogenetic location: 4q12.
Variant type: single nucleotide variant.
Coding change: c.1264A>G on transcript NM_006947.4 (MANE Select); coding-DNA position 1264, A replaced by G.
Protein change: p.Ile422Val; replaces isoleucine 422 with valine.
Molecular consequence: missense variant. On other transcripts: non-coding transcript variant (1).
Genome position (GRCh38, 1-based): chr4:56,489,427, A>G. VCF-style: chr4-56489427-A-G. GRCh37 (hg19) VCF-style: chr4-57355593-A-G.
Other names: c.1081A>G, p.Ile361Val (NM_001267722.2); short protein forms I361V, I422V.
Identifiers: ClinVar variation 3801477 (VCV003801477.1).